The following is an entry in ClinVar:

ClinVar aggregate classification (germline): Pathogenic (1 of 4 stars; one submission).

Conditions:
Hereditary cancer-predisposing syndrome. Also called: Neoplastic Syndromes, Hereditary; Tumor predisposition; Hereditary Cancer Syndrome; Hereditary neoplastic syndrome. Identifiers: Orphanet 140162, MedGen C0027672, MeSH D009386, MONDO:0015356.

Submission:

Ambry Genetics
Classification: Pathogenic for Hereditary cancer-predisposing syndrome. Last evaluated: 2021-11-29. Review status: criteria provided, single submitter. Criteria: Ambry Variant Classification Scheme 2023. Collection method: clinical testing. Allele origin: germline.
Comment: The c.3881dupG pathogenic mutation, located in coding exon 9 of the MSH6 gene, results from a duplication of G at nucleotide position 3881, causing a translational frameshift with a predicted alternate stop codon (p.C1294Wfs*3). This variant is considered to be rare based on population cohorts in the Genome Aggregation Database (gnomAD). This alteration is expected to result in loss of function by premature protein truncation or nonsense-mediated mRNA decay. As such, this alteration is interpreted as a disease-causing mutation.

NM_000179.3(MSH6):c.3881dup (p.Cys1294fs)

Gene: MSH6 (mutS homolog 6; plus strand). Cytogenetic location: 2p16.3.
Variant type: Duplication.
Coding change: c.3881dup on transcript NM_000179.3 (MANE Select); coding-DNA position 3881, one base duplicated (G; older notation c.3881dupG).
Protein change: p.Cys1294fs; shifts the reading frame from cysteine 1294.
Molecular consequence: frameshift variant.
Genome position (GRCh38, 1-based): chr2:47,806,531, G duplicated. VCF-style (leftmost placement, unchanged base first): chr2-47806530-T-TG. GRCh37 (hg19) VCF-style: chr2-48033669-T-TG.
Other names: c.3491dup, p.Cys1164fs (NM_001281492.2); c.2975dup, p.Cys992fs (NM_001281493.2, NM_001281494.2); c.3977dup, p.Cys1326Trpfs (NM_001406795.1); c.3881dup, p.Cys1294Trpfs (NM_001406796.1, NM_001406808.1, NM_001406809.1); c.3584dup, p.Cys1195Trpfs (NM_001406797.1, NM_001406801.1, NM_001406805.1 and 10 more transcripts); c.3707dup, p.Cys1236Trpfs (NM_001406798.1); c.3356dup, p.Cys1119Trpfs (NM_001406799.1, NM_001406806.1, NM_001406807.1); c.3868dup, p.Val1290Glyfs (NM_001406800.1); and 10 more; short protein forms C1164fs, C1294fs, C992fs.
Identifiers: ClinVar variation 1735818 (VCV001735818.2), dbSNP rs2530864782, ClinGen allele CA2580067427.
Genomic context (GRCh38, chr2:47,806,530, plus strand): 5'-GAATGTGAAGACCCCAGCCAGGAGACTATTACGTTCCTCTATAAATTCATTAAGGGAGCT[T>TG]GTCCTAAAAGCTATGGCTTTAATGCAGCAAGGCTTGCTAATCTCCCAGAGGAAGTTATTC-3'